The following is an entry in ClinVar:

NM_015113.4(ZZEF1):c.1781T>C (p.Ile594Thr)

Gene: ZZEF1 (zinc finger ZZ-type and EF-hand domain containing 1; minus strand). Cytogenetic location: 17p13.2.
Variant type: single nucleotide variant.
Coding change: c.1781T>C on transcript NM_015113.4 (MANE Select); coding-DNA position 1781, T replaced by C.
Protein change: p.Ile594Thr; replaces isoleucine 594 with threonine.
Molecular consequence: missense variant.
Genome position (GRCh38, 1-based): chr17:4,095,963, A>G on the plus strand (T>C on the coding strand, the complement: ZZEF1 is on the minus strand). VCF-style: chr17-4095963-A-G. GRCh37 (hg19) VCF-style: chr17-3999257-A-G.
Other names: short protein forms I594T.
Identifiers: ClinVar variation 4867085 (VCV004867085.1).
Genomic context (GRCh38, chr17:4,095,963, plus strand): 5'-TCCGCACAAAATTTATCTGAAGATGAGTTATAGGCAAACACCAACCCACACTGGGCACCA[A>G]TGCCACCACGTCGAACCTGGAAACAGAGATTAGGATGAAGTCTATCAAAGGGGCAAAAGT-3'
Protein context (NP_055928.3, residues 584-604): QIRIMVRRGG[Ile594Thr]GAQCGLVFAY

ClinVar aggregate classification (germline): Uncertain significance (1 of 4 stars; one submission).

gnomAD v4.1: 1 of 1,611,558 alleles (0.000062%); no homozygotes.

Submission:

Ambry Genetics
Classification: Uncertain significance. Last evaluated: 2026-05-19. Review status: criteria provided, single submitter. Criteria: Ambry Variant Classification Scheme 2023. Collection method: clinical testing. Allele origin: germline.
Comment: The c.1781T>C (p.I594T) alteration is located in exon 11 (coding exon 11) of the ZZEF1 gene. This alteration results from a T to C substitution at nucleotide position 1781, causing the isoleucine (I) at amino acid position 594 to be replaced by a threonine (T). Based on data from gnomAD, the C allele has an overall frequency of 0.001% (2/250148) total alleles studied. The highest observed frequency was <0.001% (/) of alleles. Based on insufficient or conflicting evidence, the clinical significance of this alteration remains unclear.